The following is an entry in ClinVar:

NM_005051.3(QARS1):c.1401C>A (p.Tyr467Ter)

Gene: QARS1 (glutaminyl-tRNA synthetase 1; minus strand). Cytogenetic location: 3p21.31.
Variant type: single nucleotide variant.
Coding change: c.1401C>A on transcript NM_005051.3 (MANE Select); coding-DNA position 1401, C replaced by A.
Protein change: p.Tyr467Ter; replaces tyrosine 467 with a stop codon.
Molecular consequence: nonsense. On other transcripts: non-coding transcript variant (1).
Genome position (GRCh38, 1-based): chr3:49,099,635, G>T on the plus strand (C>A on the coding strand, the complement: QARS1 is on the minus strand). VCF-style: chr3-49099635-G-T. GRCh37 (hg19) VCF-style: chr3-49137068-G-T.
Other names: c.1368C>A, p.Tyr456Ter (NM_001272073.2); short protein forms Y456*, Y467*.
Identifiers: ClinVar variation 2778278 (VCV002778278.3), dbSNP rs1559967310, ClinGen allele CA352707002.

ClinVar aggregate classification (germline): Pathogenic (1 of 4 stars; one submission).

Conditions:
Diffuse cerebral and cerebellar atrophy - intractable seizures - progressive microcephaly syndrome. Also called: Microcephaly, progressive, with seizures and cerebral and cerebellar atrophy. Identifiers: Orphanet 404437, MedGen C4014239, MONDO:0014335, OMIM 615760.

Allele frequency attached by ClinVar (database versions not stated): gnomAD exomes below 0.00001.
gnomAD v4.1: 2 of 1,614,186 alleles (0.00012%); highest among the groups gnomAD compares: South Asian, 0.0011%; no homozygotes.

Submission:

Labcorp Genetics (formerly Invitae), Labcorp
Classification: Pathogenic for Diffuse cerebral and cerebellar atrophy - intractable seizures - progressive microcephaly syndrome. Last evaluated: 2023-09-10. Review status: criteria provided, single submitter. Criteria: Invitae Variant Classification Sherloc (09022015). Collection method: clinical testing. Allele origin: germline.
Comment: This variant has not been reported in the literature in individuals affected with QARS-related conditions. This sequence change creates a premature translational stop signal (p.Tyr467*) in the QARS gene. It is expected to result in an absent or disrupted protein product. Loss-of-function variants in QARS are known to be pathogenic (PMID: 24656866, 25471517). This variant is not present in population databases (gnomAD no frequency). Algorithms developed to predict the effect of sequence changes on RNA splicing suggest that this variant may create or strengthen a splice site. For these reasons, this variant has been classified as Pathogenic.

Literature cited by the submitters: PubMed 24656866; PubMed 25471517.